The following is an entry in ClinVar:

ClinVar aggregate classification (germline): Uncertain significance (1 of 4 stars; one submission).

Conditions:
Brugada syndrome 8 (BRGDA8). Identifiers: Orphanet 130, MedGen C2751083, MONDO:0013148, OMIM 613123.

Submission:

Labcorp Genetics (formerly Invitae), Labcorp
Classification: Uncertain significance for Brugada syndrome 8. Last evaluated: 2024-09-17. Review status: criteria provided, single submitter. Criteria: Invitae Variant Classification Sherloc (09022015). Collection method: clinical testing. Allele origin: germline.
Comment: This sequence change replaces proline, which is neutral and non-polar, with leucine, which is neutral and non-polar, at codon 990 of the HCN4 protein (p.Pro990Leu). The frequency data for this variant in the population databases is considered unreliable, as metrics indicate poor data quality at this position in the gnomAD database. This variant has not been reported in the literature in individuals affected with HCN4-related conditions. Invitae Evidence Modeling of protein sequence and biophysical properties (such as structural, functional, and spatial information, amino acid conservation, physicochemical variation, residue mobility, and thermodynamic stability) indicates that this missense variant is not expected to disrupt HCN4 protein function with a negative predictive value of 95%. In summary, the available evidence is currently insufficient to determine the role of this variant in disease. Therefore, it has been classified as a Variant of Uncertain Significance.

NM_005477.3(HCN4):c.2969C>T (p.Pro990Leu)

Gene: HCN4 (hyperpolarization activated cyclic nucleotide gated potassium channel 4; minus strand). Cytogenetic location: 15q24.1.
Variant type: single nucleotide variant.
Coding change: c.2969C>T on transcript NM_005477.3 (MANE Select); coding-DNA position 2969, C replaced by T.
Protein change: p.Pro990Leu; replaces proline 990 with leucine.
Molecular consequence: missense variant.
Genome position (GRCh38, 1-based): chr15:73,323,124, G>A on the plus strand (C>T on the coding strand, the complement: HCN4 is on the minus strand). VCF-style: chr15-73323124-G-A. GRCh37 (hg19) VCF-style: chr15-73615465-G-A.
Other names: short protein forms P990L.
Identifiers: ClinVar variation 3636611 (VCV003636611.2).